The following is an entry in ClinVar:

NM_033026.6(PCLO):c.299del (p.Pro100fs)

Gene: PCLO (piccolo presynaptic cytomatrix protein; minus strand). Cytogenetic location: 7q21.11.
Variant type: Deletion.
Coding change: c.299del on transcript NM_033026.6 (MANE Select); coding-DNA position 299, one base deleted (C; older notation c.299delC).
Protein change: p.Pro100fs; shifts the reading frame from proline 100.
Molecular consequence: frameshift variant.
Genome position (GRCh38, 1-based): chr7:83,156,342, G deleted on the plus strand (C on the coding strand, the reverse complement: PCLO is on the minus strand); the first of 5 consecutive G bases (chr7:83,156,342-83,156,346); deleting any one gives the same sequence. VCF-style (leftmost placement, unchanged base first): chr7-83156341-CG-C. GRCh37 (hg19) VCF-style: chr7-82785657-CG-C.
Other names: c.299del, p.Pro100fs (NM_014510.3); short protein forms P100fs.
Identifiers: ClinVar variation 4731161 (VCV004731161.1).
Genomic context (GRCh38, chr7:83,156,341, plus strand): 5'-CCTGAAAGTGTCTGTAGTTCTACTTTTACTGAGACCAGGTTGAGCTGGACGCCCAGGGTC[CG>C]GGGGTCTTCCTGATTGCTTTGGAGGATGACTACTATCCAACTCTTGTTTCCTAGAAGAGT-3'

ClinVar aggregate classification (germline): Pathogenic (1 of 4 stars; one submission).

Submission:

Labcorp Genetics (formerly Invitae), Labcorp
Classification: Pathogenic. Last evaluated: 2025-11-13. Review status: criteria provided, single submitter. Criteria: Invitae Variant Classification Sherloc (09022015). Collection method: clinical testing. Allele origin: germline.
Comment: This sequence change creates a premature translational stop signal (p.Pro100Argfs*36) in the PCLO gene. It is expected to result in an absent or disrupted protein product. Loss-of-function variants in PCLO are known to be pathogenic (PMID: 25832664, 30287594). This variant is not present in population databases (gnomAD no frequency). This variant has not been reported in the literature in individuals affected with PCLO-related conditions. For these reasons, this variant has been classified as Pathogenic.

Literature cited by the submitters: PubMed 25832664; PubMed 30287594.